The following is an entry in ClinVar:

ClinVar aggregate classification (germline): Uncertain significance (1 of 4 stars; one submission).

Submission:

Ambry Genetics
Classification: Uncertain significance. Last evaluated: 2025-11-19. Review status: criteria provided, single submitter. Criteria: Ambry Variant Classification Scheme 2023. Collection method: clinical testing. Allele origin: germline.
Comment: The c.205T>G (p.Y69D) alteration is located in exon 2 (coding exon 2) of the SIGLEC14 gene. This alteration results from a T to G substitution at nucleotide position 205, causing the tyrosine (Y) at amino acid position 69 to be replaced by an aspartic acid (D). Based on data from gnomAD, the G allele has an overall frequency of 0.001% (1/113130) total alleles studied. The highest observed frequency was 0.011% (1/9512) of East Asian alleles. Based on insufficient or conflicting evidence, the clinical significance of this alteration remains unclear.

NM_001098612.3(SIGLEC14):c.205T>G (p.Tyr69Asp)

Gene: SIGLEC14 (sialic acid binding Ig like lectin 14; minus strand). Cytogenetic location: 19q13.41.
Variant type: single nucleotide variant.
Coding change: c.205T>G on transcript NM_001098612.3 (MANE Select); coding-DNA position 205, T replaced by G.
Protein change: p.Tyr69Asp; replaces tyrosine 69 with aspartic acid.
Molecular consequence: missense variant.
Genome position (GRCh38, 1-based): chr19:51,646,473, A>C on the plus strand (T>G on the coding strand, the complement: SIGLEC14 is on the minus strand). VCF-style: chr19-51646473-A-C. GRCh37 (hg19) VCF-style: chr19-52149726-A-C.
Other names: short protein forms Y69D.
Identifiers: ClinVar variation 4583857 (VCV004583857.1).